The following is an entry in ClinVar:

NM_014009.4(FOXP3):c.1253G>C (p.Ser418Thr)

Gene: FOXP3 (forkhead box P3; minus strand). Cytogenetic location: Xp11.23.
Variant type: single nucleotide variant.
Coding change: c.1253G>C on transcript NM_014009.4 (MANE Select); coding-DNA position 1253, G replaced by C.
Protein change: p.Ser418Thr; replaces serine 418 with threonine.
Molecular consequence: missense variant.
Genome position (GRCh38, 1-based): chrX:49,251,377, C>G on the plus strand (G>C on the coding strand, the complement: FOXP3 is on the minus strand). VCF-style: chrX-49251377-C-G. GRCh37 (hg19) VCF-style: chrX-49107838-C-G.
Other names: c.1148G>C, p.Ser383Thr (NM_001114377.2); short protein forms S383T, S418T.
Identifiers: ClinVar variation 2745750 (VCV002745750.3), dbSNP rs1317916668, ClinGen allele CA412947192.

ClinVar aggregate classification (germline): Uncertain significance (1 of 4 stars; one submission).

Conditions:
Insulin-dependent diabetes mellitus secretory diarrhea syndrome (IPEX). Also called: Immune dysregulation-polyendocrinopathy-enteropathy-X-linked syndrome; Immunodysregulation, polyendocrinopathy, and enteropathy, X-linked; Immunodeficiency, Polyendocrinopathy, and Enteropathy X-Linked Syndrome; X-Linked Syndrome of Polyendocrinopathy, Immune Dysfunction, and Diarrhea; IPEX and IPEX-Like; DIABETES MELLITUS, CONGENITAL INSULIN-DEPENDENT, WITH FATAL SECRETORY DIARRHEA. Identifiers: Orphanet 37042, MedGen C0342288, MONDO:0010580, OMIM 304790. Disease mechanism: loss of function.

Allele frequency attached by ClinVar (database versions not stated): gnomAD 0.00001; TOPMed 0.00001.
gnomAD v4.1: 2 of 1,209,730 alleles (0.00017%); highest among the groups gnomAD compares: Admixed American, 0.0044%; no homozygotes.

Submission:

Labcorp Genetics (formerly Invitae), Labcorp
Classification: Uncertain significance for Insulin-dependent diabetes mellitus secretory diarrhea syndrome. Last evaluated: 2024-06-24. Review status: criteria provided, single submitter. Criteria: Invitae Variant Classification Sherloc (09022015). Collection method: clinical testing. Allele origin: germline.
Comment: This sequence change replaces serine, which is neutral and polar, with threonine, which is neutral and polar, at codon 418 of the FOXP3 protein (p.Ser418Thr). This variant is not present in population databases (gnomAD no frequency). This variant has not been reported in the literature in individuals affected with FOXP3-related conditions. Advanced modeling of protein sequence and biophysical properties (such as structural, functional, and spatial information, amino acid conservation, physicochemical variation, residue mobility, and thermodynamic stability) performed at Invitae indicates that this missense variant is not expected to disrupt FOXP3 protein function with a negative predictive value of 80%. In summary, the available evidence is currently insufficient to determine the role of this variant in disease. Therefore, it has been classified as a Variant of Uncertain Significance.